The following is an entry in ClinVar:

ClinVar aggregate classification (germline): Conflicting classifications of pathogenicity. Review status: criteria provided, conflicting classifications (1 of 4 stars). 5 submissions from 5 submitters: Uncertain significance (2); Likely benign (3). Last evaluated 2025-12-29.

Conditions:
Inborn genetic diseases. Identifiers: MedGen C0950123, MeSH D030342.
COL4A5-related disorder. Also called: COL4A5-related condition.
X-linked Alport syndrome (ATS1). Also called: COL4A5-Related Nephropathy; NEPHROPATHY AND DEAFNESS, X-LINKED. Identifiers: Orphanet 63, Orphanet 88917, MedGen C4746986, MONDO:0010520, OMIM 301050.

Allele frequency attached by ClinVar (database versions not stated): gnomAD 0.00005; gnomAD exomes 0.00005 and 0.00012; TOPMed 0.00005; ExAC 0.00007; ESP Exome Variant Server 0.00009.
gnomAD v4.1: 136 of 1,206,207 alleles (0.011%); highest among the groups gnomAD compares: Non-Finnish European, 0.015%; no homozygotes.

Submissions (5):

PreventionGenetics, part of Exact Sciences
Classification: Uncertain significance for COL4A5-related condition. Last evaluated: 2025-12-29. Review status: criteria provided, single submitter. Criteria: ACMG Guidelines, 2015. Collection method: clinical testing. Allele origin: germline.
Comment: The COL4A5 c.1975A>G variant is predicted to result in the amino acid substitution p.Ile659Val. To our knowledge, this variant has not been reported in the literature. This variant is reported in 0.011% of alleles in individuals of African descent in gnomAD. Although we suspect that this variant may be benign, at this time, the clinical significance of this variant is uncertain due to the absence of conclusive functional and genetic evidence.

Fulgent Genetics
Classification: Likely benign for X-linked Alport syndrome. Last evaluated: 2024-04-29. Review status: criteria provided, single submitter. Criteria: ACMG Guidelines, 2015. Collection method: clinical testing. Allele origin: germline.

Labcorp Genetics (formerly Invitae), Labcorp
Classification: Likely benign. Last evaluated: 2024-01-16. Review status: criteria provided, single submitter. Criteria: Invitae Variant Classification Sherloc (09022015). Collection method: clinical testing. Allele origin: germline.

Blueprint Genetics
Classification: Likely benign. Last evaluated: 2023-10-30. Review status: criteria provided, single submitter. Criteria: ACMG Guidelines, 2015. Collection method: clinical testing. Allele origin: germline.

Ambry Genetics
Classification: Uncertain significance for Inborn genetic diseases. Last evaluated: 2023-04-06. Review status: criteria provided, single submitter. Criteria: Ambry Variant Classification Scheme 2023. Collection method: clinical testing. Allele origin: germline.

NM_033380.3(COL4A5):c.1975A>G (p.Ile659Val)

Gene: COL4A5 (collagen type IV alpha 5 chain; plus strand). Cytogenetic location: Xq22.3.
Variant type: single nucleotide variant.
Coding change: c.1975A>G on transcript NM_033380.3 (MANE Select); coding-DNA position 1975, A replaced by G.
Protein change: p.Ile659Val; replaces isoleucine 659 with valine.
Molecular consequence: missense variant.
Genome position (GRCh38, 1-based): chrX:108,601,419, A>G. VCF-style: chrX-108601419-A-G. GRCh37 (hg19) VCF-style: chrX-107844649-A-G.
Other names: c.1975A>G (NM_000495.3); c.1975A>G, p.Ile659Val (NM_000495.5); short protein forms I659V.
Identifiers: ClinVar variation 730654 (VCV000730654.15), dbSNP rs201414732, ClinGen allele CA10488824.
Genomic context (GRCh38, chrX:108,601,419, plus strand): 5'-TTCTCATTTACCATTGATTTACTCTTGCTTTCAGGTCCTAAAGGGGATCCAGGTCAGACT[A>G]TAACCCAGCCGGGGAAGCCTGGCTTGCCTGGTAACCCAGGCAGAGATGGTGATGTAGGTC-3'
Protein context (NP_203699.1, residues 649-669): PGPKGDPGQT[Ile659Val]TQPGKPGLPG